The following is an entry in ClinVar:

NM_025099.6(CTC1):c.2160C>T (p.Thr720=)

Gene: CTC1 (CST telomere replication complex component 1; minus strand). Cytogenetic location: 17p13.1.
Variant type: single nucleotide variant.
Coding change: c.2160C>T on transcript NM_025099.6 (MANE Select); coding-DNA position 2160, C replaced by T.
Protein change: p.Thr720=; no amino-acid change (threonine 720 retained).
Molecular consequence: synonymous variant. On other transcripts: non-coding transcript variant (1).
Genome position (GRCh38, 1-based): chr17:8,232,128, G>A on the plus strand (C>T on the coding strand, the complement: CTC1 is on the minus strand). VCF-style: chr17-8232128-G-A. GRCh37 (hg19) VCF-style: chr17-8135446-G-A.
Other names: p.Thr720=.
Identifiers: ClinVar variation 326074 (VCV000326074.31), dbSNP rs3027235, ClinGen allele CA8372150.

ClinVar aggregate classification (germline): Benign/Likely benign. Review status: criteria provided, multiple submitters, no conflicts (2 of 4 stars). 10 submissions from 10 submitters: Benign (7); Likely benign (1). 2 of the submissions do not count toward it. Last evaluated 2026-02-04.

Conditions:
Dyskeratosis congenita. Identifiers: Orphanet 1775, MedGen C0265965, MONDO:0015780.
Cerebroretinal microangiopathy with calcifications and cysts 1 (CRMCC1). Identifiers: Orphanet 313838, MedGen C4552029, MONDO:0024564, OMIM 612199.

Allele frequency attached by ClinVar (database versions not stated): gnomAD exomes 0.01745 and 0.03010; ExAC 0.03105; ESP Exome Variant Server 0.03140; gnomAD 0.03914 and 0.04058; 1000 Genomes Project 0.04333; TOPMed 0.04565; 1000 Genomes Project 30x 0.04966.
gnomAD v4.1: 30,215 of 1,528,728 alleles (2%); highest among the groups gnomAD compares: Admixed American, 10%; 665 homozygotes.

Submissions (10):

Labcorp Genetics (formerly Invitae), Labcorp
Classification: Benign for Dyskeratosis congenita. Last evaluated: 2026-02-04. Review status: criteria provided, single submitter. Criteria: Invitae Variant Classification Sherloc (09022015). Collection method: clinical testing. Allele origin: germline.

ARUP Laboratories, Molecular Genetics and Genomics, ARUP Laboratories
Classification: Benign for Cerebroretinal microangiopathy with calcifications and cysts 1. Last evaluated: 2025-05-05. Review status: criteria provided, single submitter. Criteria: ARUP Molecular Germline Variant Investigation Process 2024. Collection method: clinical testing. Allele origin: germline.

Blueprint Genetics
Classification: Likely benign. Last evaluated: 2024-11-27. Review status: criteria provided, single submitter. Criteria: ACMG Guidelines, 2015. Collection method: clinical testing. Allele origin: germline.

Mayo Clinic Laboratories, Mayo Clinic
Classification: Benign. Last evaluated: 2022-03-23. Review status: criteria provided, single submitter. Criteria: ACMG Guidelines, 2015. Collection method: clinical testing. Allele origin: germline. Observed: 56 variant alleles.

Genome-Nilou Lab
Classification: Benign for Cerebroretinal microangiopathy with calcifications and cysts 1. Last evaluated: 2021-07-15. Review status: criteria provided, single submitter. Criteria: ACMG Guidelines, 2015. Collection method: clinical testing. Allele origin: germline. Affected: no.

GeneDx
Classification: Benign. Last evaluated: 2019-03-16. Review status: criteria provided, single submitter. Criteria: GeneDx Variant Classification Process June 2021. Collection method: clinical testing. Allele origin: germline. Affected: yes.

Illumina Laboratory Services, Illumina
Classification: Benign for Dyskeratosis congenita. Last evaluated: 2018-01-13. Review status: criteria provided, single submitter. Criteria: ICSL Variant Classification Criteria 13 December 2019. Collection method: clinical testing. Allele origin: germline.
Comment: This variant was observed in the ICSL laboratory as part of a predisposition screen in an ostensibly healthy population. It had not been previously curated by ICSL or reported in the Human Gene Mutation Database (HGMD: prior to June 1st, 2018), and was therefore a candidate for classification through an automated scoring system. Utilizing variant allele frequency, disease prevalence and penetrance estimates, and inheritance mode, an automated score was calculated to assess if this variant is too frequent to cause the disease. Based on the score and internal cut-off values, a variant classified as benign is not then subjected to further curation. The score for this variant resulted in a classification of benign for this disease.

Breakthrough Genomics
Classification: Benign. Review status: criteria provided, single submitter. Criteria: ACMG Guidelines, 2015. Collection method: not provided. Allele origin: germline. Inheritance: Autosomal recessive inheritance. Affected: yes.

Genome Diagnostics Laboratory, Amsterdam University Medical Center
Classification: Benign. Review status: no assertion criteria provided. Collection method: clinical testing. Allele origin: germline. Affected: yes. Study: VKGL Data-share Consensus. Not counted in ClinVar's aggregate classification.

Laboratory of Diagnostic Genome Analysis, Leiden University Medical Center (LUMC)
Classification: Benign. Review status: no assertion criteria provided. Collection method: clinical testing. Allele origin: germline. Affected: yes. Study: VKGL Data-share Consensus. Not counted in ClinVar's aggregate classification.